The following is an entry in ClinVar:

ClinVar aggregate classification (germline): Uncertain significance (1 of 4 stars; one submission).

Conditions:
Autosomal dominant limb-girdle muscular dystrophy type 1F (LGMDD2). Also called: Limb-girdle muscular dystrophy, type 1F; MUSCULAR DYSTROPHY, LIMB-GIRDLE, AUTOSOMAL DOMINANT 2. Identifiers: Orphanet 55595, MedGen C1842062, MONDO:0012034, OMIM 608423.

Allele frequency attached by ClinVar (database versions not stated): gnomAD exomes below 0.00001 and 0.00001.
gnomAD v4.1: 3 of 1,614,210 alleles (0.00019%); highest among the groups gnomAD compares: Non-Finnish European, 0.00025%; no homozygotes.

Submission:

Labcorp Genetics (formerly Invitae), Labcorp
Classification: Uncertain significance for Autosomal dominant limb-girdle muscular dystrophy type 1F. Last evaluated: 2024-10-12. Review status: criteria provided, single submitter. Criteria: Invitae Variant Classification Sherloc (09022015). Collection method: clinical testing. Allele origin: germline.
Comment: This sequence change replaces proline, which is neutral and non-polar, with serine, which is neutral and polar, at codon 24 of the TNPO3 protein (p.Pro24Ser). This variant is present in population databases (no rsID available, gnomAD 0.007%). This variant has not been reported in the literature in individuals affected with TNPO3-related conditions. ClinVar contains an entry for this variant (Variation ID: 464850). Invitae Evidence Modeling of protein sequence and biophysical properties (such as structural, functional, and spatial information, amino acid conservation, physicochemical variation, residue mobility, and thermodynamic stability) indicates that this missense variant is not expected to disrupt TNPO3 protein function with a negative predictive value of 80%. In summary, the available evidence is currently insufficient to determine the role of this variant in disease. Therefore, it has been classified as a Variant of Uncertain Significance.

NM_012470.4(TNPO3):c.70C>T (p.Pro24Ser)

Genes: TNPO3 (transportin 3; minus strand), LOC129999289 (ATAC-STARR-seq lymphoblastoid active region 26616; plus strand). Cytogenetic location: 7q32.1.
Variant type: single nucleotide variant.
Coding change: c.70C>T on transcript NM_012470.4 (MANE Select); coding-DNA position 70, C replaced by T.
Protein change: p.Pro24Ser; replaces proline 24 with serine.
Molecular consequence: missense variant. On other transcripts: non-coding transcript variant (18).
Genome position (GRCh38, 1-based): chr7:129,054,701, G>A on the plus strand (C>T on the coding strand, the complement: TNPO3 is on the minus strand). VCF-style: chr7-129054701-G-A. GRCh37 (hg19) VCF-style: chr7-128694755-G-A.
Other names: c.70C>T, p.Pro24Ser (NM_001191028.3, NM_001382216.1, NM_001382217.1 and 6 more transcripts); short protein forms P24S.
Identifiers: ClinVar variation 464850 (VCV000464850.12), dbSNP rs1408084010, ClinGen allele CA369229489.